The following is an entry in ClinVar:

ClinVar aggregate classification (germline): Uncertain significance (1 of 4 stars; one submission).

Conditions:
Myoclonic dystonia 11 (DYT11). Also called: Myoclonic dystonia; Dystonia 11; Dystonia, alcohol responsive; Hereditary essential myoclonus; SGCE Myoclonus-Dystonia; Myoclonus-Dystonia. Identifiers: Orphanet 36899, MedGen C1834570, MONDO:0008044, OMIM 159900.

Submission:

Labcorp Genetics (formerly Invitae), Labcorp
Classification: Uncertain significance for Myoclonic dystonia 11. Last evaluated: 2024-08-26. Review status: criteria provided, single submitter. Criteria: Invitae Variant Classification Sherloc (09022015). Collection method: clinical testing. Allele origin: germline.
Comment: This sequence change replaces glutamic acid, which is acidic and polar, with lysine, which is basic and polar, at codon 253 of the SGCE protein (p.Glu253Lys). This variant is not present in population databases (gnomAD no frequency). This variant has not been reported in the literature in individuals affected with SGCE-related conditions. Invitae Evidence Modeling of protein sequence and biophysical properties (such as structural, functional, and spatial information, amino acid conservation, physicochemical variation, residue mobility, and thermodynamic stability) indicates that this missense variant is not expected to disrupt SGCE protein function with a negative predictive value of 80%. In summary, the available evidence is currently insufficient to determine the role of this variant in disease. Therefore, it has been classified as a Variant of Uncertain Significance.

NM_003919.3(SGCE):c.757G>A (p.Glu253Lys)

Genes: CASD1 (CAS1 domain sialic acid O acetyltransferase 1; plus strand), SGCE (sarcoglycan epsilon; minus strand). Cytogenetic location: 7q21.3.
Variant type: single nucleotide variant.
Coding change: c.757G>A on transcript NM_003919.3 (MANE Select); coding-DNA position 757, G replaced by A.
Protein change: p.Glu253Lys; replaces glutamic acid 253 with lysine.
Molecular consequence: missense variant.
Genome position (GRCh38, 1-based): chr7:94,603,358, C>T on the plus strand (G>A on the coding strand, the complement: SGCE is on the minus strand). VCF-style: chr7-94603358-C-T. GRCh37 (hg19) VCF-style: chr7-94232670-C-T.
Other names: c.757G>A, p.Glu253Lys (NM_001099400.2, NM_001099401.2, NM_001346717.2); c.634G>A, p.Glu212Lys (NM_001301139.2, NM_001362809.2); c.865G>A, p.Glu289Lys (NM_001346713.2, NM_001346715.2); c.670G>A, p.Glu224Lys (NM_001346719.2, NM_001362807.2); c.484G>A, p.Glu162Lys (NM_001346720.2, NM_001362808.2); short protein forms E212K, E224K, E253K, E162K, E289K.
Identifiers: ClinVar variation 2852634 (VCV002852634.3), dbSNP rs2484973606, ClinGen allele CA368232172.